The following is an entry in ClinVar:

ClinVar aggregate classification (germline): Uncertain significance (1 of 4 stars; one submission).

Conditions:
Cardiovascular phenotype. Identifiers: MedGen CN230736.

gnomAD v4.1: 6 of 1,613,610 alleles (0.00037%); highest among the groups gnomAD compares: Non-Finnish European, 0.00051%; no homozygotes.

Submission:

Ambry Genetics
Classification: Uncertain significance for Cardiovascular phenotype. Last evaluated: 2024-08-31. Review status: criteria provided, single submitter. Criteria: Ambry Variant Classification Scheme 2023. Collection method: clinical testing. Allele origin: germline.
Comment: The p.M440I variant (also known as c.1320G>A), located in coding exon 6 of the MYPN gene, results from a G to A substitution at nucleotide position 1320. The methionine at codon 440 is replaced by isoleucine, an amino acid with highly similar properties. This amino acid position is conserved. In addition, this alteration is predicted to be tolerated by in silico analysis. Based on the available evidence, the clinical significance of this variant remains unclear.

NM_032578.4(MYPN):c.1320G>A (p.Met440Ile)

Gene: MYPN (myopalladin; plus strand). Cytogenetic location: 10q21.3.
Variant type: single nucleotide variant.
Coding change: c.1320G>A on transcript NM_032578.4 (MANE Select); coding-DNA position 1320, G replaced by A.
Protein change: p.Met440Ile; replaces methionine 440 with isoleucine.
Molecular consequence: missense variant. On other transcripts: non-coding transcript variant (2).
Genome position (GRCh38, 1-based): chr10:68,158,488, G>A. VCF-style: chr10-68158488-G-A. GRCh37 (hg19) VCF-style: chr10-69918245-G-A.
Other names: c.1320G>A, p.Met440Ile (NM_001256267.2); c.438G>A, p.Met146Ile (NM_001256268.2); short protein forms M146I, M440I.
Identifiers: ClinVar variation 3402036 (VCV003402036.1).